The following is an entry in ClinVar:

NM_000400.4(ERCC2):c.1564A>G (p.Asn522Asp)

Gene: ERCC2 (ERCC excision repair 2, TFIIH core complex helicase subunit; minus strand). Cytogenetic location: 19q13.32.
Variant type: single nucleotide variant.
Coding change: c.1564A>G on transcript NM_000400.4 (MANE Select); coding-DNA position 1564, A replaced by G.
Protein change: p.Asn522Asp; replaces asparagine 522 with aspartic acid.
Molecular consequence: missense variant.
Genome position (GRCh38, 1-based): chr19:45,354,831, T>C on the plus strand (A>G on the coding strand, the complement: ERCC2 is on the minus strand). VCF-style: chr19-45354831-T-C. GRCh37 (hg19) VCF-style: chr19-45858089-T-C.
Other names: short protein forms N522D.
Identifiers: ClinVar variation 1775330 (VCV001775330.2), dbSNP rs2514006386, ClinGen allele CA406365553.

ClinVar aggregate classification (germline): Uncertain significance (1 of 4 stars; one submission).

Conditions:
Inborn genetic diseases. Identifiers: MedGen C0950123, MeSH D030342.

Submission:

Ambry Genetics
Classification: Uncertain significance for Inborn genetic diseases. Last evaluated: 2021-06-13. Review status: criteria provided, single submitter. Criteria: Ambry Variant Classification Scheme 2023. Collection method: clinical testing. Allele origin: germline.
Comment: The p.N522D variant (also known as c.1564A>G), located in coding exon 17 of the ERCC2 gene, results from an A to G substitution at nucleotide position 1564. The asparagine at codon 522 is replaced by aspartic acid, an amino acid with highly similar properties. This amino acid position is conserved. In addition, the in silico prediction for this alteration is inconclusive. Since supporting evidence is limited at this time, the clinical significance of this alteration remains unclear.